The following is an entry in ClinVar:

ClinVar aggregate classification (germline): Likely pathogenic (1 of 4 stars; one submission).

Conditions:
Cardiovascular phenotype. Identifiers: MedGen CN230736.

Submission:

Molecular Diagnostic Laboratory for Inherited Cardiovascular Disease, Montreal Heart Institute
Classification: Likely pathogenic for Cardiovascular phenotype. Last evaluated: 2024-11-05. Review status: criteria provided, single submitter. Criteria: ACMG Guidelines, 2015. Collection method: clinical testing. Allele origin: germline. Affected: yes.
Comment: PVS1_strong, PM2, PP1_mod, PS4_supp

NM_001281740.3(FHOD3):c.1646+1G>C

Gene: FHOD3 (formin homology 2 domain containing 3; plus strand). Cytogenetic location: 18q12.2.
Variant type: single nucleotide variant.
Coding change: c.1646+1G>C on transcript NM_001281740.3 (MANE Select); the canonical splice donor site of the intron after coding-DNA position 1646, G replaced by C.
Molecular consequence: splice donor variant. On other transcripts: intron variant (2).
Genome position (GRCh38, 1-based): chr18:36,652,930, G>C. VCF-style: chr18-36652930-G-C. GRCh37 (hg19) VCF-style: chr18-34232893-G-C.
Other names: c.1197-5145G>C (NM_025135.5, NM_001281739.3).
Identifiers: ClinVar variation 3895408 (VCV003895408.1).